The following is an entry in ClinVar:

NM_198578.4(LRRK2):c.199G>T (p.Val67Phe)

Gene: LRRK2 (leucine rich repeat kinase 2; plus strand). Cytogenetic location: 12q12.
Variant type: single nucleotide variant.
Coding change: c.199G>T on transcript NM_198578.4 (MANE Select); coding-DNA position 199, G replaced by T.
Protein change: p.Val67Phe; replaces valine 67 with phenylalanine.
Molecular consequence: missense variant.
Genome position (GRCh38, 1-based): chr12:40,225,602, G>T. VCF-style: chr12-40225602-G-T. GRCh37 (hg19) VCF-style: chr12-40619404-G-T.
Other names: short protein forms V67F.
Identifiers: ClinVar variation 1784144 (VCV001784144.2), dbSNP rs1940833181, ClinGen allele CA384399225.

ClinVar aggregate classification (germline): Uncertain significance (1 of 4 stars; one submission).

Conditions:
Inborn genetic diseases. Identifiers: MedGen C0950123, MeSH D030342.

Submission:

Ambry Genetics
Classification: Uncertain significance for Inborn genetic diseases. Last evaluated: 2022-04-03. Review status: criteria provided, single submitter. Criteria: Ambry Variant Classification Scheme 2023. Collection method: clinical testing. Allele origin: germline.
Comment: The p.V67F variant (also known as c.199G>T), located in coding exon 2 of the LRRK2 gene, results from a G to T substitution at nucleotide position 199. The valine at codon 67 is replaced by phenylalanine, an amino acid with highly similar properties. This amino acid position is conserved. In addition, the in silico prediction for this alteration is inconclusive. Since supporting evidence is limited at this time, the clinical significance of this alteration remains unclear.